The following is an entry in ClinVar:

NM_001267550.2(TTN):c.85494G>A (p.Trp28498Ter)

Genes: TTN-AS1 (TTN antisense RNA 1; plus strand), TTN (titin; minus strand). Cytogenetic location: 2q31.2.
Variant type: single nucleotide variant.
Coding change: c.85494G>A on transcript NM_001267550.2 (MANE Select); coding-DNA position 85494, G replaced by A.
Protein change: p.Trp28498Ter; replaces tryptophan 28498 with a stop codon.
Molecular consequence: nonsense.
Genome position (GRCh38, 1-based): chr2:178,560,638, C>T on the plus strand (G>A on the coding strand, the complement: TTN is on the minus strand). VCF-style: chr2-178560638-C-T. GRCh37 (hg19) VCF-style: chr2-179425365-C-T.
Other names: c.80571G>A, p.Trp26857Ter (NM_001256850.1); c.58299G>A, p.Trp19433Ter (NM_003319.4); c.77790G>A, p.Trp25930Ter (NM_133378.4); c.58674G>A, p.Trp19558Ter (NM_133432.3); c.58875G>A, p.Trp19625Ter (NM_133437.4); short protein forms W19433*, W19558*, W19625*, W25930*, W26857*, W28498*.
Identifiers: ClinVar variation 2501570 (VCV002501570.6), dbSNP rs1703274205, ClinGen allele CA349553271.

ClinVar aggregate classification (germline): Pathogenic/Likely pathogenic. Review status: criteria provided, multiple submitters, no conflicts (2 of 4 stars). 3 submissions from 3 submitters: Pathogenic (2); Likely pathogenic (1). Last evaluated 2025-05-23.

Conditions:
Cardiovascular phenotype. Identifiers: MedGen CN230736.
Autosomal recessive limb-girdle muscular dystrophy type 2J (LGMDR10). Also called: MUSCULAR DYSTROPHY, LIMB-GIRDLE, AUTOSOMAL RECESSIVE 10; Limb-girdle muscular dystrophy, type 2J. Identifiers: Orphanet 140922, MedGen C1837342, MONDO:0012127, OMIM 608807.
Dilated cardiomyopathy 1G (CMD1G). Identifiers: Orphanet 154, MedGen C1858763, MONDO:0011400, OMIM 604145.

Allele frequency attached by ClinVar (database versions not stated): gnomAD exomes below 0.00001.
gnomAD v4.1: 2 of 1,613,616 alleles (0.00012%); no homozygotes.

Submissions (3):

Ambry Genetics
Classification: Pathogenic for Cardiovascular phenotype. Last evaluated: 2025-05-23. Review status: criteria provided, single submitter. Criteria: Ambry Variant Classification Scheme 2023. Collection method: clinical testing. Allele origin: germline.
Comment: The p.W19433* variant (also known as c.58299G>A), located in coding exon 153 of the TTN gene, results from a G to A substitution at nucleotide position 58299. This changes the amino acid from a tryptophan to a stop codon within coding exon 153. This exon is located in the A-band region of the N2-B isoform of the titin protein and is constitutively expressed in TTN transcripts (percent spliced in or PSI 100%). This variant (also referred to as p.W28498*, c.85493G>A) was reported in individual(s) with features consistent with dilated cardiomyopathy (Trachoo O et al. PLoS One, 2022 Sep;17:e0267770; Ambry internal data). This variant is considered to be rare based on population cohorts in the Genome Aggregation Database (gnomAD). This variant is expected to result in loss of function by premature protein truncation or nonsense-mediated mRNA decay. While truncating variants in TTN are present in 1-3% of the general population, truncating variants in the A-band are the most common cause of dilated cardiomyopathy (Herman DS et al. N. Engl. J. Med., 2012 Feb;366:619-28; Roberts AM et al. Sci Transl Med, 2015 Jan;7:270ra6). TTN truncating variants encoded in constitutive exons (PSI >90%) have been found to be significantly associated with DCM regardless of their position in titin (Schafer S et al. Nat. Genet., 2017 01;49:46-53; Akhtar MM et al. Circ Heart Fail, 2020 Oct;13:e006832; Massier M et al. Clin Genet, 2025 Jan). Based on the supporting evidence, this variant is interpreted as a disease-causing mutation.

GeneDx
Classification: Pathogenic. Last evaluated: 2024-07-25. Review status: criteria provided, single submitter. Criteria: GeneDx Variant Classification Process June 2021. Collection method: clinical testing. Allele origin: germline. Affected: yes.
Comment: Nonsense variant predicted to result in protein truncation or nonsense mediated decay in a gene for which loss of function is a known mechanism of disease; Located in the A-band region of titin, where the majority of truncating pathogenic variants associated with DCM have been reported (PMID: 22335739); Not observed at significant frequency in large population cohorts (gnomAD); Has not been previously published as pathogenic or benign to our knowledge; This variant is associated with the following publications: (PMID: 22335739)

Labcorp Genetics (formerly Invitae), Labcorp
Classification: Likely pathogenic for Dilated cardiomyopathy 1G; Autosomal recessive limb-girdle muscular dystrophy type 2J. Last evaluated: 2024-06-24. Review status: criteria provided, single submitter. Criteria: Invitae Variant Classification Sherloc (09022015). Collection method: clinical testing. Allele origin: germline.
Comment: This sequence change creates a premature translational stop signal (p.Trp28498*) in the TTN gene. While this is not anticipated to result in nonsense mediated decay, it is expected to create a truncated TTN protein. This variant is not present in population databases (gnomAD no frequency). This premature translational stop signal has been observed in individual(s) with dilated cardiomyopathy (PMID: 36166435). ClinVar contains an entry for this variant (Variation ID: 2501570). This variant is located in the A band of TTN (PMID: 25589632). Truncating variants in this region are significantly overrepresented in patients affected with dilated cardiomyopathy (PMID: 25589632). Truncating variants in this region have also been reported in individuals affected with autosomal recessive centronuclear myopathy (PMID: 23975875). In summary, the currently available evidence indicates that the variant is pathogenic, but additional data are needed to prove that conclusively. Therefore, this variant has been classified as Likely Pathogenic.

Literature cited by the submitters: PubMed 36166435 (cited by Ambry Genetics and Labcorp Genetics (formerly Invitae), Labcorp); PubMed 25589632 (cited by Labcorp Genetics (formerly Invitae), Labcorp); PubMed 23975875 (cited by Labcorp Genetics (formerly Invitae), Labcorp).